The following is an entry in ClinVar:

NM_001372044.2(SHANK3):c.1390C>T (p.Pro464Ser)

Gene: SHANK3 (SH3 and multiple ankyrin repeat domains 3; plus strand). Cytogenetic location: 22q13.33.
Variant type: single nucleotide variant.
Coding change: c.1390C>T on transcript NM_001372044.2 (MANE Select); coding-DNA position 1390, C replaced by T.
Protein change: p.Pro464Ser; replaces proline 464 with serine.
Molecular consequence: missense variant.
Genome position (GRCh38, 1-based): chr22:50,694,909, C>T. VCF-style: chr22-50694909-C-T. GRCh37 (hg19) VCF-style: chr22-51133337-C-T.
Other names: c.1165C>T (NM_033517.1); short protein forms P464S.
Identifiers: ClinVar variation 1306171 (VCV001306171.2), dbSNP rs2146794712, ClinGen allele CA515252605.

ClinVar aggregate classification (germline): Uncertain significance (1 of 4 stars; one submission).

Submission:

GeneDx
Classification: Uncertain significance. Last evaluated: 2021-10-08. Review status: criteria provided, single submitter. Criteria: GeneDx Variant Classification Process June 2021. Collection method: clinical testing. Allele origin: germline. Affected: yes.
Comment: Not observed at significant frequency in large population cohorts (Lek et al., 2016); In silico analysis supports that this missense variant has a deleterious effect on protein structure/function; Has not been previously published as pathogenic or benign to our knowledge